The following is an entry in ClinVar:

NM_020964.3(EPG5):c.6487A>C (p.Ser2163Arg)

Gene: EPG5 (ectopic P-granules 5 autophagy tethering factor; minus strand). Cytogenetic location: 18q12.3.
Variant type: single nucleotide variant.
Coding change: c.6487A>C on transcript NM_020964.3 (MANE Select); coding-DNA position 6487, A replaced by C.
Protein change: p.Ser2163Arg; replaces serine 2163 with arginine.
Molecular consequence: missense variant.
Genome position (GRCh38, 1-based): chr18:45,866,932, T>G on the plus strand (A>C on the coding strand, the complement: EPG5 is on the minus strand). VCF-style: chr18-45866932-T-G. GRCh37 (hg19) VCF-style: chr18-43446897-T-G.
Other names: c.6487A>C, p.Ser2163Arg (NM_001410858.1); c.6484A>C, p.Ser2162Arg (NM_001410859.1); short protein forms S2162R, S2163R.
Identifiers: ClinVar variation 2042087 (VCV002042087.4), dbSNP rs2511486996, ClinGen allele CA402339270.

ClinVar aggregate classification (germline): Uncertain significance (1 of 4 stars; one submission).

Conditions:
Vici syndrome (VICIS). Identifiers: Orphanet 1493, MedGen C1855772, MONDO:0009452, OMIM 242840.

Submission:

Labcorp Genetics (formerly Invitae), Labcorp
Classification: Uncertain significance for Vici syndrome. Last evaluated: 2021-12-13. Review status: criteria provided, single submitter. Criteria: Invitae Variant Classification Sherloc (09022015). Collection method: clinical testing. Allele origin: germline.
Comment: In summary, the available evidence is currently insufficient to determine the role of this variant in disease. Therefore, it has been classified as a Variant of Uncertain Significance. Algorithms developed to predict the effect of missense changes on protein structure and function are either unavailable or do not agree on the potential impact of this missense change (SIFT: "Tolerated"; PolyPhen-2: "Probably Damaging"; Align-GVGD: "Class C0"). This variant has not been reported in the literature in individuals affected with EPG5-related conditions. This variant is not present in population databases (gnomAD no frequency). This sequence change replaces serine, which is neutral and polar, with arginine, which is basic and polar, at codon 2163 of the EPG5 protein (p.Ser2163Arg).